The following is an entry in ClinVar:

NM_001018005.2(TPM1):c.629A>G (p.Gln210Arg)

Gene: TPM1 (tropomyosin 1; plus strand). Cytogenetic location: 15q22.2.
Variant type: single nucleotide variant.
Coding change: c.629A>G on transcript NM_001018005.2 (MANE Select); coding-DNA position 629, A replaced by G.
Protein change: p.Gln210Arg; replaces glutamine 210 with arginine.
Molecular consequence: missense variant. On other transcripts: intron variant (6).
Genome position (GRCh38, 1-based): chr15:63,061,778, A>G. VCF-style: chr15-63061778-A-G. GRCh37 (hg19) VCF-style: chr15-63353977-A-G.
Other names: c.629A>G, p.Gln210Arg (NM_001018004.2, NM_001018007.2, NM_001301244.2 and 3 more transcripts); c.521A>G, p.Gln174Arg (NM_001018008.2, NM_001301289.2, NM_001330346.2 and 2 more transcripts); c.755A>G, p.Gln252Arg (NM_001365778.1); c.640-437A>G (NM_001018020.2, NM_001018006.2, NM_000366.6); c.532-437A>G (NM_001330351.2, NM_001330344.2, NM_001365781.2); short protein forms Q174R, Q210R, Q252R.
Identifiers: ClinVar variation 845983 (VCV000845983.13), dbSNP rs777139450, ClinGen allele CA392724320.

ClinVar aggregate classification (germline): Conflicting classifications of pathogenicity. Review status: criteria provided, conflicting classifications (1 of 4 stars). 3 submissions from 3 submitters: Pathogenic (1); Uncertain significance (2). Last evaluated 2025-10-13.

Conditions:
Hypertrophic cardiomyopathy. Also called: HYPERTROPHIC MYOCARDIOPATHY. Identifiers: Orphanet 217569, MedGen C0007194, MeSH D002312, MONDO:0005045, HP:0001639.
Cardiomyopathy (CMYO). Also called: Cardiomyopathies. Identifiers: Orphanet 167848, MedGen C0878544, MONDO:0004994, HP:0001638. Inheritance: Various modes of inheritance.

gnomAD v4.1: 1 of 1,614,152 alleles (0.000062%); highest among the groups gnomAD compares: Non-Finnish European, 0.000085%; no homozygotes.

Submissions (3):

Labcorp Genetics (formerly Invitae), Labcorp
Classification: Pathogenic for Hypertrophic cardiomyopathy. Last evaluated: 2025-10-13. Review status: criteria provided, single submitter. Criteria: Invitae Variant Classification Sherloc (09022015). Collection method: clinical testing. Allele origin: germline.
Comment: This sequence change replaces glutamine, which is neutral and polar, with arginine, which is basic and polar, at codon 210 of the TPM1 protein (p.Gln210Arg). This variant is not present in population databases (gnomAD no frequency). This missense change has been observed in individuals with hypertrophic cardiomyopathy (PMID: 23283745, 34598319, 38002985; internal data). It has also been observed to segregate with disease in related individuals. ClinVar contains an entry for this variant (Variation ID: 845983). An algorithm developed to predict the effect of missense changes on protein structure and function (PolyPhen-2) suggests that this variant is likely to be tolerated. For these reasons, this variant has been classified as Pathogenic.

Blueprint Genetics
Classification: Uncertain significance. Last evaluated: 2021-01-12. Review status: criteria provided, single submitter. Criteria: ACMG Guidelines, 2015. Collection method: clinical testing. Allele origin: germline.

Color Diagnostics, LLC DBA Color Health
Classification: Uncertain significance for Cardiomyopathy. Last evaluated: 2020-03-20. Review status: criteria provided, single submitter. Criteria: ACMG Guidelines, 2015. Collection method: clinical testing. Allele origin: germline.
Comment: This missense variant replaces glutamine with arginine at codon 210 of the TPM1 protein. Computational prediction is inconclusive regarding the impact of this variant on protein structure and function (internally defined REVEL score threshold 0.5 < inconclusive < 0.7, PMID: 27666373). To our knowledge, functional studies have not been reported for this variant. This variant has been reported in an individual affected with hypertrophic cardiomyopathy (PMID: 23283745). This variant has not been identified in the general population by the Genome Aggregation Database (gnomAD). The available evidence is insufficient to determine the role of this variant in disease conclusively. Therefore, this variant is classified as a Variant of Uncertain Significance.

Literature cited by the submitters: PubMed 23283745 (cited by Labcorp Genetics (formerly Invitae), Labcorp); PubMed 34598319 (cited by Labcorp Genetics (formerly Invitae), Labcorp); PubMed 38002985 (cited by Labcorp Genetics (formerly Invitae), Labcorp).